The following is an entry in ClinVar:

ClinVar aggregate classification (germline): Uncertain significance (1 of 4 stars; one submission).

Allele frequency attached by ClinVar (database versions not stated): gnomAD exomes 0.00001; TOPMed 0.00002.

Submission:

Labcorp Genetics (formerly Invitae), Labcorp
Classification: Uncertain significance. Last evaluated: 2022-02-04. Review status: criteria provided, single submitter. Criteria: Invitae Variant Classification Sherloc (09022015). Collection method: clinical testing. Allele origin: germline.
Comment: This sequence change replaces arginine, which is basic and polar, with glutamine, which is neutral and polar, at codon 744 of the CEP250 protein (p.Arg744Gln). This variant is not present in population databases (gnomAD no frequency). This variant has not been reported in the literature in individuals affected with CEP250-related conditions. ClinVar contains an entry for this variant (Variation ID: 1057835). Algorithms developed to predict the effect of missense changes on protein structure and function are either unavailable or do not agree on the potential impact of this missense change (SIFT: "Not Available"; PolyPhen-2: "Probably Damaging"; Align-GVGD: "Not Available"). In summary, the available evidence is currently insufficient to determine the role of this variant in disease. Therefore, it has been classified as a Variant of Uncertain Significance.

NM_007186.6(CEP250):c.2231G>A (p.Arg744Gln)

Genes: CEP250-AS1 (CEP250 antisense RNA 1; minus strand), CEP250 (centrosomal protein 250; plus strand). Cytogenetic location: 20q11.22.
Variant type: single nucleotide variant.
Coding change: c.2231G>A on transcript NM_007186.6 (MANE Select); coding-DNA position 2231, G replaced by A.
Protein change: p.Arg744Gln; replaces arginine 744 with glutamine.
Molecular consequence: missense variant.
Genome position (GRCh38, 1-based): chr20:35,479,367, G>A. VCF-style: chr20-35479367-G-A. GRCh37 (hg19) VCF-style: chr20-34067192-G-A.
Other names: c.335G>A, p.Arg112Gln (NM_001318219.1); short protein forms R112Q, R744Q.
Identifiers: ClinVar variation 1057835 (VCV001057835.6), dbSNP rs993542561, ClinGen allele CA314157364.